The following is an entry in ClinVar:

ClinVar aggregate classification (germline): Uncertain significance (1 of 4 stars; one submission).

Conditions:
Hereditary cancer-predisposing syndrome. Also called: Neoplastic Syndromes, Hereditary; Tumor predisposition; Hereditary Cancer Syndrome; Hereditary neoplastic syndrome. Identifiers: Orphanet 140162, MedGen C0027672, MeSH D009386, MONDO:0015356.

Submission:

Ambry Genetics
Classification: Uncertain significance for Hereditary cancer-predisposing syndrome. Last evaluated: 2026-01-03. Review status: criteria provided, single submitter. Criteria: Ambry Variant Classification Scheme 2023. Collection method: clinical testing. Allele origin: germline.
Comment: The p.K632T variant (also known as c.1895A>C), located in coding exon 6 of the MET gene, results from an A to C substitution at nucleotide position 1895. The lysine at codon 632 is replaced by threonine, an amino acid with similar properties. This amino acid position is conserved. In addition, this alteration is predicted to be tolerated by in silico analysis. Based on the available evidence, the clinical significance of this variant remains unclear.

NM_000245.4(MET):c.1895A>C (p.Lys632Thr)

Gene: MET (MET proto-oncogene, receptor tyrosine kinase; plus strand). Cytogenetic location: 7q31.2.
Variant type: single nucleotide variant.
Coding change: c.1895A>C on transcript NM_000245.4 (MANE Select); coding-DNA position 1895, A replaced by C.
Protein change: p.Lys632Thr; replaces lysine 632 with threonine.
Molecular consequence: missense variant.
Genome position (GRCh38, 1-based): chr7:116,757,469, A>C. VCF-style: chr7-116757469-A-C. GRCh37 (hg19) VCF-style: chr7-116397523-A-C.
Other names: c.1895A>C, p.Lys632Thr (NM_001324401.3, NM_001127500.3); c.605A>C, p.Lys202Thr (NM_001324402.2); short protein forms K202T, K632T.
Identifiers: ClinVar variation 4843766 (VCV004843766.1).